The following is an entry in ClinVar:

ClinVar aggregate classification (germline): Uncertain significance (1 of 4 stars; one submission).

Conditions:
Inborn genetic diseases. Identifiers: MedGen C0950123, MeSH D030342.

Allele frequency attached by ClinVar (database versions not stated): TOPMed below 0.00001; gnomAD 0.00001.
gnomAD v4.1: 1 of 1,613,772 alleles (0.000062%); highest among the groups gnomAD compares: Non-Finnish European, 0.000085%; no homozygotes.

Submission:

Ambry Genetics
Classification: Uncertain significance for Inborn genetic diseases. Last evaluated: 2023-03-26. Review status: criteria provided, single submitter. Criteria: Ambry Variant Classification Scheme 2023. Collection method: clinical testing. Allele origin: germline.
Comment: The p.C285W variant (also known as c.855C>G), located in coding exon 7 of the ACD gene, results from a C to G substitution at nucleotide position 855. The cysteine at codon 285 is replaced by tryptophan, an amino acid with highly dissimilar properties. This amino acid position is conserved. In addition, this alteration is predicted to be tolerated by in silico analysis. Since supporting evidence is limited at this time, the clinical significance of this alteration remains unclear.

NM_001082486.2(ACD):c.597C>G (p.Cys199Trp)

Gene: ACD (ACD shelterin complex subunit and telomerase recruitment factor; minus strand). Cytogenetic location: 16q22.1.
Variant type: single nucleotide variant.
Coding change: c.597C>G on transcript NM_001082486.2 (MANE Select); coding-DNA position 597, C replaced by G.
Protein change: p.Cys199Trp; replaces cysteine 199 with tryptophan.
Molecular consequence: missense variant.
Genome position (GRCh38, 1-based): chr16:67,658,976, G>C on the plus strand (C>G on the coding strand, the complement: ACD is on the minus strand). VCF-style: chr16-67658976-G-C. GRCh37 (hg19) VCF-style: chr16-67692879-G-C.
Other names: c.597C>G, p.Cys199Trp (NM_001410884.1); c.588C>G, p.Cys196Trp (NM_022914.3); short protein forms C196W, C199W.
Identifiers: ClinVar variation 2561107 (VCV002561107.2), dbSNP rs1417617864, ClinGen allele CA396354039.
Genomic context (GRCh38, chr16:67,658,976, plus strand): 5'-CCCCAGACTGACCGTGGCCTTGCATCGTGAGGCAGCCCAGTGGGTGACAGGGGGTGCTGT[G>C]CAAGGGCCCTCCAGTGTCAGGCAGCTTTCAGCCAGGCACACGAGTGCCCCCTGATGCTCC-3'
Protein context (NP_001075955.2, residues 189-209): AESCLTLEGP[Cys199Trp]TAPPVTHWAA